The following is an entry in ClinVar:

ClinVar aggregate classification (germline): Uncertain significance (1 of 4 stars; one submission).

Conditions:
Oligodontia-cancer predisposition syndrome. Also called: TOOTH AGENESIS-COLORECTAL CANCER SYNDROME. Identifiers: Orphanet 300576, MedGen C1837750, MONDO:0012075, OMIM 608615. Disease mechanism: loss of function.

Submission:

Labcorp Genetics (formerly Invitae), Labcorp
Classification: Uncertain significance for Oligodontia-cancer predisposition syndrome. Last evaluated: 2021-11-13. Review status: criteria provided, single submitter. Criteria: Invitae Variant Classification Sherloc (09022015). Collection method: clinical testing. Allele origin: germline.
Comment: In summary, the available evidence is currently insufficient to determine the role of this variant in disease. Therefore, it has been classified as a Variant of Uncertain Significance. Algorithms developed to predict the effect of missense changes on protein structure and function (SIFT, PolyPhen-2, Align-GVGD) all suggest that this variant is likely to be disruptive. This variant has not been reported in the literature in individuals affected with AXIN2-related conditions. This variant is not present in population databases (gnomAD no frequency). This sequence change replaces valine, which is neutral and non-polar, with alanine, which is neutral and non-polar, at codon 319 of the AXIN2 protein (p.Val319Ala).

NM_004655.4(AXIN2):c.956T>C (p.Val319Ala)

Gene: AXIN2 (axin 2; minus strand). Cytogenetic location: 17q24.1.
Variant type: single nucleotide variant.
Coding change: c.956T>C on transcript NM_004655.4 (MANE Select); coding-DNA position 956, T replaced by C.
Protein change: p.Val319Ala; replaces valine 319 with alanine.
Molecular consequence: missense variant.
Genome position (GRCh38, 1-based): chr17:65,549,520, A>G on the plus strand (T>C on the coding strand, the complement: AXIN2 is on the minus strand). VCF-style: chr17-65549520-A-G. GRCh37 (hg19) VCF-style: chr17-63545638-A-G.
Other names: c.956T>C, p.Val319Ala (NM_001363813.1); short protein forms V319A.
Identifiers: ClinVar variation 1393003 (VCV001393003.6), dbSNP rs2144537401, ClinGen allele CA400679414.